The following is an entry in ClinVar:

ClinVar aggregate classification (germline): Pathogenic/Likely pathogenic. Review status: criteria provided, multiple submitters, no conflicts (2 of 4 stars). 2 submissions from 2 submitters: Pathogenic (1); Likely pathogenic (1). Last evaluated 2025-10-01.

Conditions:
Neutral 1 amino acid transport defect (HND). Also called: Hartnup disease; HARTNUP DISORDER. Identifiers: Orphanet 2116, MedGen C0018609, MONDO:0009324, OMIM 234500.

Allele frequency attached by ClinVar (database versions not stated): gnomAD 0.00001; ExAC 0.00003; 1000 Genomes Project 30x 0.00016; 1000 Genomes Project 0.00020.
gnomAD v4.1: 16 of 1,613,838 alleles (0.00099%); highest among the groups gnomAD compares: East Asian, 0.0045%; no homozygotes.

Submissions (2):

Labcorp Genetics (formerly Invitae), Labcorp
Classification: Pathogenic. Last evaluated: 2025-10-01. Review status: criteria provided, single submitter. Criteria: Invitae Variant Classification Sherloc (09022015). Collection method: clinical testing. Allele origin: germline.
Comment: This sequence change replaces glycine, which is neutral and non-polar, with arginine, which is basic and polar, at codon 284 of the SLC6A19 protein (p.Gly284Arg). This variant is present in population databases (rs200842846, gnomAD 0.007%). This missense change has been observed in individuals with Hartnup disorder (PMID: 18484095, 19335424). It has also been observed to segregate with disease in related individuals. ClinVar contains an entry for this variant (Variation ID: 2203603). Invitae Evidence Modeling of protein sequence and biophysical properties (such as structural, functional, and spatial information, amino acid conservation, physicochemical variation, residue mobility, and thermodynamic stability) indicates that this missense variant is expected to disrupt SLC6A19 protein function with a positive predictive value of 95%. Experimental studies have shown that this missense change affects SLC6A19 function (PMID: 18484095). For these reasons, this variant has been classified as Pathogenic.

Fulgent Genetics
Classification: Likely pathogenic for Neutral 1 amino acid transport defect. Last evaluated: 2024-03-25. Review status: criteria provided, single submitter. Criteria: ACMG Guidelines, 2015. Collection method: clinical testing. Allele origin: germline.

Literature cited by the submitters: PubMed 18484095 (cited by Labcorp Genetics (formerly Invitae), Labcorp); PubMed 19335424 (cited by Labcorp Genetics (formerly Invitae), Labcorp).

NM_001003841.3(SLC6A19):c.850G>A (p.Gly284Arg)

Gene: SLC6A19 (solute carrier family 6 member 19; plus strand). Cytogenetic location: 5p15.33.
Variant type: single nucleotide variant.
Coding change: c.850G>A on transcript NM_001003841.3 (MANE Select); coding-DNA position 850, G replaced by A.
Protein change: p.Gly284Arg; replaces glycine 284 with arginine.
Molecular consequence: missense variant.
Genome position (GRCh38, 1-based): chr5:1,214,028, G>A. VCF-style: chr5-1214028-G-A. GRCh37 (hg19) VCF-style: chr5-1214143-G-A.
Other names: short protein forms G284R.
Identifiers: ClinVar variation 2203603 (VCV002203603.5), dbSNP rs200842846, ClinGen allele CA3182918.
Genomic context (GRCh38, chr5:1,214,028, plus strand): 5'-CAGCCGGACACCTGGCTGGACGCGGGCGCACAGGTCTTCTTCTCCTTCTCCCTGGCCTTC[G>A]GGGGCCTCATCTCCTTCTCCAGCTACAACTCTGTGCAGTGAGTGCGGGTGTGGTGGGCCT-3'
Protein context (NP_001003841.1, residues 274-294): QVFFSFSLAF[Gly284Arg]GLISFSSYNS